The following is an entry in ClinVar:

NM_000137.4(FAH):c.607-1G>A

Gene: FAH (fumarylacetoacetate hydrolase; plus strand). Cytogenetic location: 15q25.1.
Variant type: single nucleotide variant.
Coding change: c.607-1G>A on transcript NM_000137.4 (MANE Select); the canonical splice acceptor site of the intron before coding-DNA position 607, G replaced by A.
Molecular consequence: splice acceptor variant.
Genome position (GRCh38, 1-based): chr15:80,172,148, G>A. VCF-style: chr15-80172148-G-A. GRCh37 (hg19) VCF-style: chr15-80464490-G-A.
Other names: c.607-1G>A (NM_001374377.1, NM_001374380.1).
Identifiers: ClinVar variation 188755 (VCV000188755.8), dbSNP rs771712041, ClinGen allele CA273918.

ClinVar aggregate classification (germline): Pathogenic/Likely pathogenic. Review status: criteria provided, multiple submitters, no conflicts (2 of 4 stars). 4 submissions from 4 submitters: Pathogenic (1); Likely pathogenic (2). 1 of the submissions does not count toward it. Last evaluated 2025-10-07.

Conditions:
Tyrosinemia type I (TYRSN1). Also called: Tyrosinemia type 1; Fumarylacetoacetase deficiency; Deficiency of fumarylacetoacetase; FAH DEFICIENCY; HEPATORENAL TYROSINEMIA. Identifiers: Orphanet 882, MedGen C0268490, MONDO:0010161, OMIM 276700. Disease mechanism: loss of function.

Submissions (4):

Natera, Inc.
Classification: Likely pathogenic for Tyrosinemia type I. Last evaluated: 2025-10-07. Review status: criteria provided, single submitter. Criteria: Natera Variant Classification Schema (03/2026). Collection method: clinical testing. Allele origin: germline.
Comment: The c.607-1G>A variant in FAH is a canonical splice acceptor site variant predicted to affect pre-mRNA splicing, which may result in an abnormal transcript and altered protein product. This variant is expected to result in nonsense mediated decay, truncation, or a dysfunctional protein product. This variant is rare in the general population with a frequency below the threshold expected for the associated phenotype(s). Given the available evidence, this variant is classified as Likely Pathogenic.

Labcorp Genetics (formerly Invitae), Labcorp
Classification: Likely pathogenic for Tyrosinemia type I. Last evaluated: 2024-03-03. Review status: criteria provided, single submitter. Criteria: Invitae Variant Classification Sherloc (09022015). Collection method: clinical testing. Allele origin: germline.
Comment: This sequence change affects an acceptor splice site in intron 7 of the FAH gene. It is expected to disrupt RNA splicing. Variants that disrupt the donor or acceptor splice site typically lead to a loss of protein function (PMID: 16199547), and loss-of-function variants in FAH are known to be pathogenic (PMID: 9101289, 9633815). This variant is present in population databases (rs771712041, gnomAD 0.0009%). Disruption of this splice site has been observed in individual(s) with tyrosinemia type 1 (PMID: 8557261). This variant is also known as IVS7-1G>A. ClinVar contains an entry for this variant (Variation ID: 188755). Algorithms developed to predict the effect of sequence changes on RNA splicing suggest that this variant may disrupt the consensus splice site. In summary, the currently available evidence indicates that the variant is pathogenic, but additional data are needed to prove that conclusively. Therefore, this variant has been classified as Likely Pathogenic.

Baylor Genetics
Classification: Pathogenic for Tyrosinemia type I. Last evaluated: 2023-03-16. Review status: criteria provided, single submitter. Criteria: ACMG Guidelines, 2015. Collection method: clinical testing. Allele origin: unknown.

Counsyl
Classification: Likely pathogenic for Tyrosinemia type I. Last evaluated: 2014-04-09. Review status: no assertion criteria provided. Collection method: literature only. Allele origin: unknown. Inheritance: Autosomal recessive inheritance. Not counted in ClinVar's aggregate classification.

Literature cited by the submitters: PubMed 16199547 (cited by Labcorp Genetics (formerly Invitae), Labcorp); PubMed 9101289 (cited by Labcorp Genetics (formerly Invitae), Labcorp); PubMed 9633815 (cited by Labcorp Genetics (formerly Invitae), Labcorp); PubMed 8557261 (cited by Labcorp Genetics (formerly Invitae), Labcorp and Counsyl).